The following is an entry in ClinVar:

NM_002860.4(ALDH18A1):c.2110+24A>T

Gene: ALDH18A1 (aldehyde dehydrogenase 18 family member A1; minus strand). Cytogenetic location: 10q24.1.
Variant type: single nucleotide variant.
Coding change: c.2110+24A>T on transcript NM_002860.4 (MANE Select); 24 bases into the intron after coding-DNA position 2110, A replaced by T.
Molecular consequence: intron variant.
Genome position (GRCh38, 1-based): chr10:95,611,232, T>A on the plus strand (A>T on the coding strand, the complement: ALDH18A1 is on the minus strand). VCF-style: chr10-95611232-T-A. GRCh37 (hg19) VCF-style: chr10-97370989-T-A.
Other names: p.?; c.1474+24A>T (NM_001323419.2); c.1777+24A>T (NM_001323412.2, NM_001323416.2); c.2005+24A>T (NM_001323417.2); c.2104+24A>T (NM_001017423.2, NM_001323415.2); c.1771+24A>T (NM_001323418.2); c.2110+24A>T (NM_001323413.2, NM_001323414.2).
Identifiers: ClinVar variation 678444 (VCV000678444.6), dbSNP rs2296691, ClinGen allele CA5620147.

ClinVar aggregate classification (germline): Benign. Review status: criteria provided, multiple submitters, no conflicts (2 of 4 stars). 7 submissions from 4 submitters: Benign (7). Last evaluated 2021-10-14.

Conditions:
Hereditary spastic paraplegia 9A. Also called: CATARACTS WITH MOTOR NEURONOPATHY, SHORT STATURE, AND SKELETAL ABNORMALITIES; SPASTIC PARAPLEGIA 9A, AUTOSOMAL DOMINANT; SPASTIC PARAPARESIS WITH AMYOTROPHY, CATARACTS, AND GASTROESOPHAGEAL REFLUX. Identifiers: Orphanet 100990, Orphanet 447753, MedGen C5568978, MONDO:0011006, OMIM 601162.
Cutis laxa, autosomal dominant 3 (ADCL3). Identifiers: Orphanet 90348, MedGen C4225268, MONDO:0014706, OMIM 616603.
Autosomal recessive complex spastic paraplegia type 9B. Also called: Spastic paraplegia 9b, autosomal recessive. Identifiers: Orphanet 447760, MedGen C5568980, MONDO:0014702, OMIM 616586.
ALDH18A1-related de Barsy syndrome. Also called: DE BARSY SYNDROME A; Cutis laxa, autosomal recessive IIIA. Identifiers: Orphanet 2962, Orphanet 35664, MedGen C5234852, MONDO:0009053, OMIM 219150.

Allele frequency attached by ClinVar (database versions not stated): 1000 Genomes Project 0.20008; 1000 Genomes Project 30x 0.20753; gnomAD 0.27653 and 0.27977; TOPMed 0.27995; ESP Exome Variant Server 0.28241; ExAC 0.29900; gnomAD exomes 0.30576.
gnomAD v4.1: 531,910 of 1,612,570 alleles (33%); highest among the groups gnomAD compares: Admixed American, 44%; 93,464 homozygotes.

Submissions (7):

Mayo Clinic Laboratories, Mayo Clinic
Classification: Benign. Last evaluated: 2021-10-14. Review status: criteria provided, single submitter. Criteria: ACMG Guidelines, 2015. Collection method: clinical testing. Allele origin: germline. Observed: 35 variant alleles.

Genome-Nilou Lab
Classification: Benign for Cutis laxa, autosomal dominant 3. Last evaluated: 2021-07-14. Review status: criteria provided, single submitter. Criteria: ACMG Guidelines, 2015. Collection method: clinical testing. Allele origin: germline. Affected: no.

Genome-Nilou Lab
Classification: Benign for ALDH18A1-related de Barsy syndrome. Last evaluated: 2021-07-14. Review status: criteria provided, single submitter. Criteria: ACMG Guidelines, 2015. Collection method: clinical testing. Allele origin: germline. Affected: no.

Genome-Nilou Lab
Classification: Benign for Hereditary spastic paraplegia 9A. Last evaluated: 2021-07-14. Review status: criteria provided, single submitter. Criteria: ACMG Guidelines, 2015. Collection method: clinical testing. Allele origin: germline. Affected: no.

Genome-Nilou Lab
Classification: Benign for Autosomal recessive complex spastic paraplegia type 9B. Last evaluated: 2021-07-14. Review status: criteria provided, single submitter. Criteria: ACMG Guidelines, 2015. Collection method: clinical testing. Allele origin: germline. Affected: no.

GeneDx
Classification: Benign. Last evaluated: 2018-06-14. Review status: criteria provided, single submitter. Criteria: GeneDx Variant Classification (06012015). Collection method: clinical testing. Allele origin: germline. Affected: yes.
Comment: This variant is considered likely benign or benign based on one or more of the following criteria: it is a conservative change, it occurs at a poorly conserved position in the protein, it is predicted to be benign by multiple in silico algorithms, and/or has population frequency not consistent with disease.

Breakthrough Genomics
Classification: Benign. Review status: criteria provided, single submitter. Criteria: ACMG Guidelines, 2015. Collection method: not provided. Allele origin: germline. Inheritance: Autosomal recessive inheritance. Affected: yes.